The following is an entry in ClinVar:

NM_004171.4(SLC1A2):c.150G>A (p.Thr50=)

Gene: SLC1A2 (solute carrier family 1 member 2; minus strand). Cytogenetic location: 11p13.
Variant type: single nucleotide variant.
Coding change: c.150G>A on transcript NM_004171.4 (MANE Select); coding-DNA position 150, G replaced by A.
Protein change: p.Thr50=; no amino-acid change (threonine 50 retained).
Molecular consequence: synonymous variant.
Genome position (GRCh38, 1-based): chr11:35,317,384, C>T on the plus strand (G>A on the coding strand, the complement: SLC1A2 is on the minus strand). VCF-style: chr11-35317384-C-T. GRCh37 (hg19) VCF-style: chr11-35338931-C-T.
Other names: c.150G>A (NM_004171.3); c.123G>A, p.Thr41= (NM_001195728.3, NM_001252652.2).
Identifiers: ClinVar variation 1169663 (VCV001169663.11), dbSNP rs34298257, ClinGen allele CA5947402.

ClinVar aggregate classification (germline): Benign. Review status: criteria provided, single submitter (1 of 4 stars). 2 submissions from 2 submitters: Benign (1). 1 of the submissions does not count toward it. Last evaluated 2026-01-05.

Conditions:
SLC1A2-related disorder. Also called: SLC1A2-related condition.

Allele frequency attached by ClinVar (database versions not stated): 1000 Genomes Project 0.00120; 1000 Genomes Project 30x 0.00141; ESP Exome Variant Server 0.00185.
gnomAD v4.1: 275 of 1,614,046 alleles (0.017%); highest among the groups gnomAD compares: African/African-American, 0.32%; 1 homozygote.

Submissions (2):

Labcorp Genetics (formerly Invitae), Labcorp
Classification: Benign. Last evaluated: 2026-01-05. Review status: criteria provided, single submitter. Criteria: Invitae Variant Classification Sherloc (09022015). Collection method: clinical testing. Allele origin: germline.

PreventionGenetics, part of Exact Sciences
Classification: Likely benign for SLC1A2-related condition. Last evaluated: 2021-06-02. Review status: no assertion criteria provided. Collection method: clinical testing. Allele origin: germline. Not counted in ClinVar's aggregate classification.
Comment: This variant is classified as likely benign based on ACMG/AMP sequence variant interpretation guidelines (Richards et al. 2015 PMID: 25741868, with internal and published modifications).